The following is an entry in ClinVar:

NM_002049.4(GATA1):c.157_158insTG (p.Ala53fs)

Gene: GATA1 (GATA binding protein 1; plus strand). Cytogenetic location: Xp11.23.
Variant type: Insertion.
Coding change: c.157_158insTG on transcript NM_002049.4 (MANE Select); coding-DNA positions 157 to 158, TG inserted.
Protein change: p.Ala53fs; shifts the reading frame from alanine 53.
Molecular consequence: frameshift variant.
Genome position: GRCh38 VCF-style: chrX-48791265-A-AGT. GRCh37 (hg19) VCF-style: chrX-48649672-A-AGT.
Other names: short protein forms A53fs.
Identifiers: ClinVar variation 1070439 (VCV001070439.7), dbSNP rs2147305695, ClinGen allele CA2499226741.
Genomic context (GRCh38, chrX:48,791,265, plus strand): 5'-TTTCTTCCCCTCTGGGCCTGAGGGCTTGGATGCAGCAGCTTCCTCCACTGCCCCGAGCAC[A>AGT]GCCACCGCTGCAGCTGCGGCACTGGCCTACTACAGGGACGCTGAGGCCTACAGACACTCC-3'

ClinVar aggregate classification (germline): Pathogenic (1 of 4 stars; one submission).

Conditions:
Diamond-Blackfan anemia. Also called: Blackfan Diamond syndrome; Aregenerative anemia chronic congenital; Red cell aplasia, pure hereditary; Congenital hypoplastic anemia; Aase syndrome. Identifiers: Orphanet 124, MedGen C1260899, MeSH D029503, MONDO:0015253, HP:0004810.
GATA binding protein 1 related thrombocytopenia with dyserythropoiesis. Also called: GATA1-Related Cytopenia; GATA1-Related X-Linked Cytopenia. Identifiers: MedGen C1845837, MONDO:0100089.

Submission:

Labcorp Genetics (formerly Invitae), Labcorp
Classification: Pathogenic for GATA binding protein 1 related thrombocytopenia with dyserythropoiesis; Diamond-Blackfan anemia. Last evaluated: 2020-05-30. Review status: criteria provided, single submitter. Criteria: Invitae Variant Classification Sherloc (09022015). Collection method: clinical testing. Allele origin: germline.
Comment: For these reasons, this variant has been classified as Pathogenic. Loss-of-function variants in GATA1 are known to be pathogenic (PMID: 16783379, 22706301, 23704091, 24453067). This variant has not been reported in the literature in individuals with GATA1-related conditions. This variant is not present in population databases (ExAC no frequency). This sequence change creates a premature translational stop signal (p.Ala53Valfs*85) in the GATA1 gene. It is expected to result in an absent or disrupted protein product.

Literature cited by the submitters: PubMed 16783379; PubMed 22706301; PubMed 23704091; PubMed 24453067.